The following continues an entry in ClinVar:

NM_000350.3(ABCA4):c.5196+1137G>A

Gene: ABCA4. ClinVar aggregate classification (germline): Pathogenic. Pathogenic (1).

Submissions 10 to 23 of 23:

Ophthalmic Genetics Group, Institute of Molecular and Clinical Ophthalmology Basel
Classification: Pathogenic for Cone-rod dystrophy. Last evaluated: 2023-07-24. Review status: criteria provided, single submitter. Criteria: ACMG Guidelines, 2015. Collection method: research. Allele origin: germline. Affected: yes. Observed: 1 variant allele. Not counted in ClinVar's aggregate classification.
Comment: Clinical significance based on ACMG v2.0

This variant was classified as Pathogenic based on ACMG criteria: PS4, PM2, PP5.

GeneDx
Classification: Pathogenic. Last evaluated: 2023-04-19. Review status: criteria provided, single submitter. Criteria: GeneDx Variant Classification Process June 2021. Collection method: clinical testing. Allele origin: germline. Affected: yes. Not counted in ClinVar's aggregate classification.
Comment: Published functional studies suggest a damaging effect (alternate splicing products compared to controls and an abnormal protein product) (Braun et al., 2013); This variant is associated with the following publications: (PMID: 25082829, 25363634, 34795310, 34758253, 25346251, 23918662, 28341476, 28041643, 28118664, 29555955, 28224992, 25474345, 29925512, 30718709, 31614660, 32581362, 33851411, 32619608, 32037395, 35119454, 35409265)

Institute of Human Genetics, Univ. Regensburg, Univ. Regensburg
Classification: Pathogenic for Retinal dystrophy. Last evaluated: 2023-01-01. Review status: criteria provided, single submitter. Criteria: ACMG Guidelines, 2015. Collection method: clinical testing. Allele origin: germline. Affected: yes. Not counted in ClinVar's aggregate classification.

Institute of Medical Genetics and Applied Genomics, University Hospital Tübingen
Classification: Pathogenic. Last evaluated: 2021-09-15. Review status: criteria provided, single submitter. Criteria: ACMG Guidelines, 2015. Collection method: clinical testing. Allele origin: germline. Inheritance: Autosomal recessive inheritance. Affected: yes. Not counted in ClinVar's aggregate classification.

Genomics England Pilot Project, Genomics England
Classification: Likely pathogenic for Retinitis pigmentosa 19. Review status: criteria provided, single submitter. Criteria: ACGS Guidelines, 2016. Collection method: clinical testing. Allele origin: germline. Affected: yes. Not counted in ClinVar's aggregate classification.

Juno Genomics, Hangzhou Juno Genomics, Inc
Classification: Pathogenic for Retinitis pigmentosa 19; Severe early-childhood-onset retinal dystrophy; Age related macular degeneration 2; Cone-rod dystrophy 3. Review status: criteria provided, single submitter. Criteria: ACMG Guidelines, 2015. Collection method: clinical testing. Allele origin: germline. Not counted in ClinVar's aggregate classification.
Comment: Absent from controls (or at extremely low frequency if recessive) in Genome Aggregation Database.;For recessive disorders, detected in trans with a pathogenic variant.;Patient's phenotype or family history is highly specific for a disease with a single genetic etiology.;Null variant in a gene where loss of function (LOF) is a known mechanism of disease.

Department of Clinical Genetics, Copenhagen University Hospital, Rigshospitalet
Classification: Likely pathogenic for Macular dystrophy. Last evaluated: 2018-04-01. Review status: no assertion criteria provided. Collection method: research. Allele origin: unknown. Affected: yes. Study: VeluxRD. Not counted in ClinVar's aggregate classification.

Department of Clinical Genetics, Copenhagen University Hospital, Rigshospitalet
Classification: Likely pathogenic for Stargardt disease. Last evaluated: 2018-04-01. Review status: no assertion criteria provided. Collection method: research. Allele origin: unknown. Affected: yes. Study: VeluxRD. Not counted in ClinVar's aggregate classification.

Joint Genome Diagnostic Labs from Nijmegen and Maastricht, Radboudumc and MUMC+
Classification: Likely pathogenic for Severe early-childhood-onset retinal dystrophy. Last evaluated: 2016-09-01. Review status: no assertion criteria provided. Collection method: clinical testing. Allele origin: unknown. Affected: yes. Observed: 1 variant allele. Not counted in ClinVar's aggregate classification.

NIHR Bioresource Rare Diseases, University of Cambridge
Classification: Likely pathogenic for Retinal dystrophy. Last evaluated: 2015-01-01. Review status: no assertion criteria provided. Collection method: research. Allele origin: unknown. Affected: yes. Observed: 1 variant allele. Not counted in ClinVar's aggregate classification.

NIHR Bioresource Rare Diseases, University of Cambridge
Classification: Likely pathogenic. Last evaluated: 2015-01-01. Review status: no assertion criteria provided. Collection method: research. Allele origin: unknown. Affected: yes. Observed: 2 variant alleles. Not counted in ClinVar's aggregate classification.

Clinical Genetics, Academic Medical Center
Classification: Pathogenic. Review status: no assertion criteria provided. Collection method: clinical testing. Allele origin: germline. Affected: yes. Study: VKGL Data-share Consensus. Not counted in ClinVar's aggregate classification.

Joint Genome Diagnostic Labs from Nijmegen and Maastricht, Radboudumc and MUMC+
Classification: Likely pathogenic. Review status: no assertion criteria provided. Collection method: clinical testing. Allele origin: germline. Affected: yes. Study: VKGL Data-share Consensus. Not counted in ClinVar's aggregate classification.

Ophthalmo-Genetics Lab, Instituto de Oftalmologia Conde de Valenciana
Classification: Pathogenic for Severe early-childhood-onset retinal dystrophy. Review status: no assertion criteria provided. Collection method: research. Allele origin: germline. Inheritance: Autosomal recessive inheritance. Affected: yes. Not counted in ClinVar's aggregate classification.

Literature cited by the submitters: PubMed 23918662 (cited by 5 submitters); PubMed 25474345 (cited by Labcorp Genetics (formerly Invitae), Labcorp and Institute of Human Genetics, Univ. Regensburg, Univ. Regensburg); PubMed 29925512 (cited by 3 submitters); PubMed 29701254 (cited by Variantyx, Inc.); PubMed 31614660 (cited by Variantyx, Inc. and Institute of Human Genetics, Univ. Regensburg, Univ. Regensburg); PubMed 36909829 (cited by Ophthalmic Genetics Group, Institute of Molecular and Clinical Ophthalmology Basel); PubMed 35903041 (cited by Ophthalmic Genetics Group, Institute of Molecular and Clinical Ophthalmology Basel and Institute of Human Genetics, Univ. Regensburg, Univ. Regensburg); PubMed 28041643 (cited by Institute of Human Genetics, Univ. Regensburg, Univ. Regensburg and NIHR Bioresource Rare Diseases, University of Cambridge); PubMed 28224992 (cited by Institute of Human Genetics, Univ. Regensburg, Univ. Regensburg); PubMed 29555955 (cited by Institute of Human Genetics, Univ. Regensburg, Univ. Regensburg); PubMed 30718709 (cited by Institute of Human Genetics, Univ. Regensburg, Univ. Regensburg and Department of Clinical Genetics, Copenhagen University Hospital, Rigshospitalet); PubMed 32619608 (cited by Institute of Human Genetics, Univ. Regensburg, Univ. Regensburg); PubMed 32307445 (cited by Institute of Human Genetics, Univ. Regensburg, Univ. Regensburg); PubMed 32581362 (cited by Institute of Human Genetics, Univ. Regensburg, Univ. Regensburg); PubMed 32037395 (cited by Institute of Human Genetics, Univ. Regensburg, Univ. Regensburg); PubMed 34795310 (cited by Institute of Human Genetics, Univ. Regensburg, Univ. Regensburg); PubMed 34758253 (cited by Institute of Human Genetics, Univ. Regensburg, Univ. Regensburg); PubMed 33851411 (cited by Institute of Human Genetics, Univ. Regensburg, Univ. Regensburg); PubMed 35119454 (cited by Institute of Human Genetics, Univ. Regensburg, Univ. Regensburg); PubMed 35409265 (cited by Institute of Human Genetics, Univ. Regensburg, Univ. Regensburg); PubMed 32653833 (cited by Ophthalmo-Genetics Lab, Instituto de Oftalmologia Conde de Valenciana).